The following is an entry in ClinVar:

ClinVar aggregate classification (germline): Likely benign. Review status: criteria provided, multiple submitters, no conflicts (2 of 4 stars). 3 submissions from 3 submitters: Likely benign (3). Last evaluated 2025-12-15.

gnomAD v4.1: 18 of 1,613,976 alleles (0.0011%); highest among the groups gnomAD compares: East Asian, 0.0045%; no homozygotes.

Submissions (3):

Labcorp Genetics (formerly Invitae), Labcorp
Classification: Likely benign. Last evaluated: 2025-12-15. Review status: criteria provided, single submitter. Criteria: Invitae Variant Classification Sherloc (09022015). Collection method: clinical testing. Allele origin: germline.

CeGaT Center for Human Genetics Tuebingen
Classification: Likely benign. Last evaluated: 2025-02-01. Review status: criteria provided, single submitter. Criteria: CeGaT Center For Human Genetics Tuebingen Variant Classification Criteria Version 2. Collection method: clinical testing. Allele origin: germline. Affected: yes. Observed: 1 variant allele.
Comment: COL2A1: BP4, BP7

Blueprint Genetics
Classification: Likely benign. Last evaluated: 2023-01-09. Review status: criteria provided, single submitter. Criteria: ACMG Guidelines, 2015. Collection method: clinical testing. Allele origin: germline.

NM_001844.5(COL2A1):c.804G>A (p.Pro268=)

Gene: COL2A1 (collagen type II alpha 1 chain; minus strand). Cytogenetic location: 12q13.11.
Variant type: single nucleotide variant.
Coding change: c.804G>A on transcript NM_001844.5 (MANE Select); coding-DNA position 804, G replaced by A.
Protein change: p.Pro268=; no amino-acid change (proline 268 retained).
Molecular consequence: synonymous variant.
Genome position (GRCh38, 1-based): chr12:47,994,436, C>T on the plus strand (G>A on the coding strand, the complement: COL2A1 is on the minus strand). VCF-style: chr12-47994436-C-T. GRCh37 (hg19) VCF-style: chr12-48388219-C-T.
Other names: c.597G>A, p.Pro199= (NM_033150.3).
Identifiers: ClinVar variation 3610375 (VCV003610375.16).